The following is an entry in ClinVar:

NM_001011.4(RPS7):c.118C>G (p.Leu40Val)

Gene: RPS7 (ribosomal protein S7; plus strand). Cytogenetic location: 2p25.3.
Variant type: single nucleotide variant.
Coding change: c.118C>G on transcript NM_001011.4 (MANE Select); coding-DNA position 118, C replaced by G.
Protein change: p.Leu40Val; replaces leucine 40 with valine.
Molecular consequence: missense variant.
Genome position (GRCh38, 1-based): chr2:3,575,859, C>G. VCF-style: chr2-3575859-C-G. GRCh37 (hg19) VCF-style: chr2-3623449-C-G.
Other names: short protein forms L40V.
Identifiers: ClinVar variation 2201330 (VCV002201330.4), dbSNP rs2528177481, ClinGen allele CA345742768.
Genomic context (GRCh38, chr2:3,575,859, plus strand): 5'-CTGTTCGTTGCTTCTTAGGCTCTTCTGGAGCTGGAGATGAACTCGGACCTCAAGGCTCAG[C>G]TCAGGGAGCTGAATATTACGGCAGCTAAGGTAAGCTGGCGCTCCCTCGGCTGGGAGGGAG-3'
Protein context (NP_001002.1, residues 30-50): LEMNSDLKAQ[Leu40Val]RELNITAAKE

ClinVar aggregate classification (germline): Uncertain significance (1 of 4 stars; one submission).

Conditions:
Diamond-Blackfan anemia 8 (DBA8). Also called: RPS7-Related Diamond-Blackfan Anemia. Identifiers: Orphanet 124, MedGen C2675511, MONDO:0012939, OMIM 612563.

Submission:

Labcorp Genetics (formerly Invitae), Labcorp
Classification: Uncertain significance for Diamond-Blackfan anemia 8. Last evaluated: 2022-03-19. Review status: criteria provided, single submitter. Criteria: Invitae Variant Classification Sherloc (09022015). Collection method: clinical testing. Allele origin: germline.
Comment: Algorithms developed to predict the effect of missense changes on protein structure and function (SIFT, PolyPhen-2, Align-GVGD) all suggest that this variant is likely to be disruptive. In summary, the available evidence is currently insufficient to determine the role of this variant in disease. Therefore, it has been classified as a Variant of Uncertain Significance. This variant has not been reported in the literature in individuals affected with RPS7-related conditions. This variant is not present in population databases (gnomAD no frequency). This sequence change replaces leucine, which is neutral and non-polar, with valine, which is neutral and non-polar, at codon 40 of the RPS7 protein (p.Leu40Val).